The following is an entry in ClinVar:

NM_000059.4(BRCA2):c.1178G>A (p.Cys393Tyr)

Gene: BRCA2 (BRCA2 DNA repair associated; plus strand). Cytogenetic location: 13q13.1.
Variant type: single nucleotide variant.
Coding change: c.1178G>A on transcript NM_000059.4 (MANE Select); coding-DNA position 1178, G replaced by A.
Protein change: p.Cys393Tyr; replaces cysteine 393 with tyrosine.
Molecular consequence: missense variant.
Genome position (GRCh38, 1-based): chr13:32,332,656, G>A. VCF-style: chr13-32332656-G-A. GRCh37 (hg19) VCF-style: chr13-32906793-G-A.
Other names: c.1178G>A (NM_000059.3); short protein forms C393Y.
Identifiers: ClinVar variation 1382730 (VCV001382730.9), dbSNP rs766690741, ClinGen allele CA6940497.

ClinVar aggregate classification (germline): Conflicting classifications of pathogenicity. Review status: criteria provided, conflicting classifications (1 of 4 stars). 3 submissions from 3 submitters: Uncertain significance (2); Likely benign (1). Last evaluated 2026-09-10.

Conditions:
Hereditary cancer-predisposing syndrome. Also called: Hereditary Cancer Syndrome; Neoplastic Syndromes, Hereditary; Hereditary neoplastic syndrome; Tumor predisposition. Identifiers: Orphanet 140162, MedGen C0027672, MeSH D009386, MONDO:0015356.
Hereditary breast ovarian cancer syndrome. Also called: Breast and ovarian cancer; Hereditary breast and ovarian cancer syndrome; Hereditary breast and ovarian cancer syndrome (HBOC); Hereditary breast and ovarian cancer; Hereditary breast and/or ovarian cancer syndrome; BRCA1- and BRCA2-Associated Hereditary Breast and Ovarian Cancer. Identifiers: Orphanet 145, MedGen C0677776, MeSH D061325, MONDO:0003582. Disease mechanism: loss of function.

Allele frequency attached by ClinVar (database versions not stated): gnomAD exomes below 0.00001; ExAC 0.00001.
gnomAD v4.1: 1 of 1,614,096 alleles (0.000062%); highest among the groups gnomAD compares: South Asian, 0.0011%; no homozygotes.

Submissions (3):

Ambry Genetics
Classification: Uncertain significance for Hereditary cancer-predisposing syndrome. Last evaluated: 2026-09-10. Review status: criteria provided, single submitter. Criteria: Ambry Variant Classification Scheme 2023. Collection method: clinical testing. Allele origin: germline.

University of Washington Department of Laboratory Medicine, University of Washington
Classification: Likely benign for Hereditary cancer-predisposing syndrome. Last evaluated: 2023-03-23. Review status: criteria provided, single submitter. Criteria: Dines et al. (Genet Med. 2020). Collection method: curation. Allele origin: germline.
Comment: Missense variant in a coldspot region where missense variants are very unlikely to be pathogenic (PMID:31911673).

BRCA2 exon 10 coldspot. Reclassification based on statistical prior probability.

Labcorp Genetics (formerly Invitae), Labcorp
Classification: Uncertain significance for Hereditary breast ovarian cancer syndrome. Last evaluated: 2021-09-23. Review status: criteria provided, single submitter. Criteria: Invitae Variant Classification Sherloc (09022015). Collection method: clinical testing. Allele origin: germline.
Comment: In summary, the available evidence is currently insufficient to determine the role of this variant in disease. Therefore, it has been classified as a Variant of Uncertain Significance. Advanced modeling of protein sequence and biophysical properties (such as structural, functional, and spatial information, amino acid conservation, physicochemical variation, residue mobility, and thermodynamic stability) performed at Invitae indicates that this missense variant is not expected to disrupt BRCA2 protein function. This variant has not been reported in the literature in individuals affected with BRCA2-related conditions. This variant is present in population databases (rs766690741, ExAC 0.006%). This sequence change replaces cysteine with tyrosine at codon 393 of the BRCA2 protein (p.Cys393Tyr). The cysteine residue is weakly conserved and there is a large physicochemical difference between cysteine and tyrosine.